The following is an entry in ClinVar:

NM_006302.3(MOGS):c.1490G>A (p.Arg497Gln)

Gene: MOGS (mannosyl-oligosaccharide glucosidase; minus strand). Cytogenetic location: 2p13.1.
Variant type: single nucleotide variant.
Coding change: c.1490G>A on transcript NM_006302.3 (MANE Select); coding-DNA position 1490, G replaced by A.
Protein change: p.Arg497Gln; replaces arginine 497 with glutamine.
Molecular consequence: missense variant.
Genome position (GRCh38, 1-based): chr2:74,462,299, C>T on the plus strand (G>A on the coding strand, the complement: MOGS is on the minus strand). VCF-style: chr2-74462299-C-T. GRCh37 (hg19) VCF-style: chr2-74689426-C-T.
Other names: c.1172G>A, p.Arg391Gln (NM_001146158.2); c.1490G>A, p.Arg497Gln (LRG_1226t1); short protein forms R497Q, R391Q.
Identifiers: ClinVar variation 649024 (VCV000649024.26), dbSNP rs772550239, ClinGen allele CA1724778.

ClinVar aggregate classification (germline): Uncertain significance. Review status: criteria provided, multiple submitters, no conflicts (2 of 4 stars). 3 submissions from 3 submitters: Uncertain significance (3). Last evaluated 2025-08-11.

Conditions:
Inborn genetic diseases. Identifiers: MedGen C0950123, MeSH D030342.
MOGS-congenital disorder of glycosylation. Also called: CDG 2B; MOGS-CDG; CDG IIb; GLUCOSIDASE I DEFICIENCY. Identifiers: Orphanet 79330, MedGen C1853736, MONDO:0011629, OMIM 606056.

Allele frequency attached by ClinVar (database versions not stated): ExAC 0.00001; gnomAD exomes 0.00001; gnomAD 0.00002; TOPMed 0.00005.
gnomAD v4.1: 112 of 1,613,724 alleles (0.0069%); highest among the groups gnomAD compares: Middle Eastern, 0.016%; no homozygotes.

Submissions (3):

Ambry Genetics
Classification: Uncertain significance for Inborn genetic diseases. Last evaluated: 2025-08-11. Review status: criteria provided, single submitter. Criteria: Ambry Variant Classification Scheme 2023. Collection method: clinical testing. Allele origin: germline.

CeGaT Center for Human Genetics Tuebingen
Classification: Uncertain significance. Last evaluated: 2024-07-01. Review status: criteria provided, single submitter. Criteria: CeGaT Center For Human Genetics Tuebingen Variant Classification Criteria Version 2. Collection method: clinical testing. Allele origin: germline. Affected: yes. Observed: 1 variant allele.
Comment: MOGS: PM2, BP4

Labcorp Genetics (formerly Invitae), Labcorp
Classification: Uncertain significance for MOGS-congenital disorder of glycosylation. Last evaluated: 2024-04-03. Review status: criteria provided, single submitter. Criteria: Invitae Variant Classification Sherloc (09022015). Collection method: clinical testing. Allele origin: germline.
Comment: This sequence change replaces arginine, which is basic and polar, with glutamine, which is neutral and polar, at codon 497 of the MOGS protein (p.Arg497Gln). This variant is present in population databases (rs772550239, gnomAD 0.004%). This variant has not been reported in the literature in individuals affected with MOGS-related conditions. ClinVar contains an entry for this variant (Variation ID: 649024). Advanced modeling of protein sequence and biophysical properties (such as structural, functional, and spatial information, amino acid conservation, physicochemical variation, residue mobility, and thermodynamic stability) performed at Invitae indicates that this missense variant is not expected to disrupt MOGS protein function with a negative predictive value of 80%. In summary, the available evidence is currently insufficient to determine the role of this variant in disease. Therefore, it has been classified as a Variant of Uncertain Significance.